The following is an entry in ClinVar:

ClinVar aggregate classification (germline): Uncertain significance (1 of 4 stars; one submission).

gnomAD v4.1: 64 of 700,252 alleles (0.0091%); highest among the groups gnomAD compares: South Asian, 0.053%; 1 homozygote.

Submission:

Labcorp Genetics (formerly Invitae), Labcorp
Classification: Uncertain significance. Last evaluated: 2022-07-19. Review status: criteria provided, single submitter. Criteria: Invitae Variant Classification Sherloc (09022015). Collection method: clinical testing. Allele origin: germline.
Comment: This variant occurs in the RNU4ATAC gene, which encodes an RNA molecule that does not result in a protein product. This variant is present in population databases (rs367638364, gnomAD 0.06%). This variant has not been reported in the literature in individuals affected with RNU4ATAC-related conditions. Experimental studies and prediction algorithms are not available or were not evaluated, and the functional significance of this variant is currently unknown. In summary, the available evidence is currently insufficient to determine the role of this variant in disease. Therefore, it has been classified as a Variant of Uncertain Significance.

NC_000002.12:g.121530972G>T

Genes: CLASP1 (cytoplasmic linker associated protein 1; minus strand), CLASP1-AS1 (CLASP1 antisense RNA 1; plus strand), RNU4ATAC (RNA, U4atac small nuclear; plus strand). Cytogenetic location: 2q14.2.
Variant type: single nucleotide variant.
Molecular consequence: intron variant (on NM_001395891.1).
Genome position: GRCh38 VCF-style: chr2-121530972-G-T. GRCh37 (hg19) VCF-style: chr2-122288548-G-T.
Other names: c.196-647C>A (NM_001142274.2, NM_015282.3, NM_001378003.1 and 5 more transcripts).
Identifiers: ClinVar variation 1906799 (VCV001906799.2), dbSNP rs367638364, ClinGen allele CA1854731.